The following is an entry in ClinVar:

NM_024675.4(PALB2):c.2766A>G (p.Ile922Met)

Gene: PALB2 (partner and localizer of BRCA2; minus strand). Cytogenetic location: 16p12.2.
Variant type: single nucleotide variant.
Coding change: c.2766A>G on transcript NM_024675.4 (MANE Select); coding-DNA position 2766, A replaced by G.
Protein change: p.Ile922Met; replaces isoleucine 922 with methionine.
Molecular consequence: missense variant.
Genome position (GRCh38, 1-based): chr16:23,624,077, T>C on the plus strand (A>G on the coding strand, the complement: PALB2 is on the minus strand). VCF-style: chr16-23624077-T-C. GRCh37 (hg19) VCF-style: chr16-23635398-T-C.
Other names: short protein forms I922M.
Identifiers: ClinVar variation 940362 (VCV000940362.10), dbSNP rs1597082882, ClinGen allele CA395145189.
Genomic context (GRCh38, chr16:23,624,077, plus strand): 5'-TCTGATTTCCAAATTTCCCAAAGCTACACACACGAGATTATACACATCAGGCACTGGAAC[T>C]ATCTGTAATACTGGAACCTAAATAAAACAAAGCAGCCAAAAATTATGCTTGGTTGTTTCA-3'
Protein context (NP_078951.2, residues 912-932): WHFAEVPVLQ[Ile922Met]VPVPDVYNLV

ClinVar aggregate classification (germline): Uncertain significance (1 of 4 stars; one submission).

Conditions:
Familial cancer of breast. Also called: hereditary breast carcinoma; BREAST CANCER, FAMILIAL; Hereditary breast cancer. Identifiers: Orphanet 227535, MedGen C0346153, MONDO:0016419, OMIM 114480. Disease mechanism: loss of function.

Allele frequency attached by ClinVar (database versions not stated): gnomAD exomes below 0.00001.
gnomAD v4.1: 1 of 1,607,032 alleles (0.000062%); highest among the groups gnomAD compares: Non-Finnish European, 0.000085%; no homozygotes.

Submission:

Labcorp Genetics (formerly Invitae), Labcorp
Classification: Uncertain significance for Familial cancer of breast. Last evaluated: 2021-05-18. Review status: criteria provided, single submitter. Criteria: Invitae Variant Classification Sherloc (09022015). Collection method: clinical testing. Allele origin: germline.
Comment: In summary, the available evidence is currently insufficient to determine the role of this variant in disease. Therefore, it has been classified as a Variant of Uncertain Significance. Algorithms developed to predict the effect of missense changes on protein structure and function are either unavailable or do not agree on the potential impact of this missense change (SIFT: "Deleterious"; PolyPhen-2: "Probably Damaging"; Align-GVGD: "Class C0"). This variant has not been reported in the literature in individuals with PALB2-related conditions. This variant is not present in population databases (ExAC no frequency). This sequence change replaces isoleucine with methionine at codon 922 of the PALB2 protein (p.Ile922Met). The isoleucine residue is highly conserved and there is a small physicochemical difference between isoleucine and methionine.